The following is an entry in ClinVar:

NM_002739.5(PRKCG):c.-192_-178del

Gene: PRKCG (protein kinase C gamma; plus strand). Cytogenetic location: 19q13.42.
Variant type: Deletion.
Coding change: c.-192_-178del on transcript NM_002739.5 (MANE Select); 192 bases upstream of the start codon through 178 bases upstream of the start codon, 15 bases deleted (GGCGGAGCCGGCGCG).
Molecular consequence: 5 prime UTR variant.
Genome position (GRCh38, 1-based): chr19:53,882,303-53,882,317, GGCGGAGCCGGCGCG deleted. VCF-style (leftmost placement, unchanged base first): chr19-53882302-TGGCGGAGCCGGCGCG-T. GRCh37 (hg19) VCF-style: chr19-54385556-TGGCGGAGCCGGCGCG-T.
Other names: c.-192_-178del (NM_001316329.2).
Identifiers: ClinVar variation 2579987 (VCV002579987.1), dbSNP rs557551763, ClinGen allele CA9640140.
Genomic context (GRCh38, chr19:53,882,302, plus strand): 5'-GTGCCTCCGGCTGCCGGCGCCCCTGCCTTTGGCTCTTCCTCCCCACTCGCCCGCTCCCCC[TGGCGGAGCCGGCGCG>T]CCCGGGGTGCCGCTCCCTGCCTGGCGCGCTCCGCACCTGGAGGTGCCTTGCCCCTCTCCT-3'

ClinVar aggregate classification (germline): Likely benign (1 of 4 stars; one submission).

Allele frequency attached by ClinVar (database versions not stated): gnomAD 0.00229; TOPMed 0.00246; 1000 Genomes Project 30x 0.00312; 1000 Genomes Project 0.00339; gnomAD exomes 0.00479; ExAC 0.00595.

Submission:

GeneDx
Classification: Likely benign. Last evaluated: 2022-02-09. Review status: criteria provided, single submitter. Criteria: GeneDx Variant Classification Process June 2021. Collection method: clinical testing. Allele origin: germline. Affected: yes.
Comment: See Variant Classification Assertion Criteria.